The following is an entry in ClinVar:

ClinVar aggregate classification (germline): Uncertain significance (1 of 4 stars; one submission).

Conditions:
Arrhythmogenic right ventricular dysplasia 9 (ARVD9). Also called: Arrhythmogenic Right Ventricular Dysplasia/Cardiomyopathy 9; ARRHYTHMOGENIC RIGHT VENTRICULAR DYSPLASIA, FAMILIAL, 9. Identifiers: MedGen C1836906, MONDO:0012180, OMIM 609040.

Submission:

Labcorp Genetics (formerly Invitae), Labcorp
Classification: Uncertain significance for Arrhythmogenic right ventricular dysplasia 9. Last evaluated: 2021-08-27. Review status: criteria provided, single submitter. Criteria: Invitae Variant Classification Sherloc (09022015). Collection method: clinical testing. Allele origin: germline.
Comment: This sequence change replaces glycine with valine at codon 489 of the PKP2 protein (p.Gly489Val). The glycine residue is weakly conserved and there is a moderate physicochemical difference between glycine and valine. This variant is not present in population databases (ExAC no frequency). This variant has not been reported in the literature in individuals affected with PKP2-related conditions. Algorithms developed to predict the effect of missense changes on protein structure and function are either unavailable or do not agree on the potential impact of this missense change (SIFT: "Deleterious"; PolyPhen-2: "Benign"; Align-GVGD: "Class C0"). In summary, the available evidence is currently insufficient to determine the role of this variant in disease. Therefore, it has been classified as a Variant of Uncertain Significance.

NM_001005242.3(PKP2):c.1379-2021G>T

Gene: PKP2 (plakophilin 2; minus strand). Cytogenetic location: 12p11.21.
Variant type: single nucleotide variant.
Coding change: c.1379-2021G>T on transcript NM_001005242.3 (MANE Select); 2021 bases into the intron before coding-DNA position 1379, G replaced by T.
Molecular consequence: intron variant. On other transcripts: missense variant (1).
Genome position (GRCh38, 1-based): chr12:32,843,226, C>A on the plus strand (G>T on the coding strand, the complement: PKP2 is on the minus strand). VCF-style: chr12-32843226-C-A. GRCh37 (hg19) VCF-style: chr12-32996160-C-A.
Other names: c.1466G>T, p.Gly489Val (NM_004572.4); short protein forms G489V.
Identifiers: ClinVar variation 1468487 (VCV001468487.5), dbSNP rs2137837919, ClinGen allele CA384368630.